The following is an entry in ClinVar:

ClinVar aggregate classification (germline): Likely pathogenic (1 of 4 stars; one submission).

Conditions:
Tumor predisposition syndrome 3 (TPDS3). Also called: Glioma susceptibility 9; LONG TELOMERE SYNDROME, POT1-RELATED; POT1 Tumor Predisposition; Melanoma, cutaneous malignant, susceptibility to, 10. Identifiers: Orphanet 618, MedGen C4014476, MONDO:0014368, OMIM 615848.

gnomAD v4.1: 1 of 1,589,978 alleles (0.000063%); highest among the groups gnomAD compares: Non-Finnish European, 0.000086%; no homozygotes.

Submission:

Labcorp Genetics (formerly Invitae), Labcorp
Classification: Likely pathogenic for Tumor predisposition syndrome 3. Last evaluated: 2024-10-29. Review status: criteria provided, single submitter. Criteria: Invitae Variant Classification Sherloc (09022015). Collection method: clinical testing. Allele origin: germline.
Comment: This sequence change affects a donor splice site in intron 12 of the POT1 gene. It is expected to disrupt RNA splicing. Variants that disrupt the donor or acceptor splice site typically lead to a loss of protein function (PMID: 16199547), and loss-of-function variants in POT1 are known to be pathogenic (PMID: 32155570). This variant is not present in population databases (gnomAD no frequency). This variant has not been reported in the literature in individuals affected with POT1-related conditions. Algorithms developed to predict the effect of sequence changes on RNA splicing suggest that this variant may disrupt the consensus splice site. In summary, the currently available evidence indicates that the variant is pathogenic, but additional data are needed to prove that conclusively. Therefore, this variant has been classified as Likely Pathogenic.

Literature cited by the submitters: PubMed 16199547; PubMed 32155570.

NM_015450.3(POT1):c.1006+1G>T

Gene: POT1 (protection of telomeres 1; minus strand). Cytogenetic location: 7q31.33.
Variant type: single nucleotide variant.
Coding change: c.1006+1G>T on transcript NM_015450.3 (MANE Select); the canonical splice donor site of the intron after coding-DNA position 1006, G replaced by T.
Molecular consequence: splice donor variant.
Genome position (GRCh38, 1-based): chr7:124,846,941, C>A on the plus strand (G>T on the coding strand, the complement: POT1 is on the minus strand). VCF-style: chr7-124846941-C-A. GRCh37 (hg19) VCF-style: chr7-124486995-C-A.
Other names: c.613+1G>T (NM_001042594.2).
Identifiers: ClinVar variation 3700001 (VCV003700001.2).
Genomic context (GRCh38, chr7:124,846,941, plus strand): 5'-TAGAGGCAGACTTTATTATGCTCATTACTGTGCCCATCTCAAAAATGATACATAGTCTTA[C>A]TTGTAGCAGATAGCTGTTGACATCTTTCTACCTCGTATAATGATACTGATCCAGAGCCTA-3'